The following is an entry in ClinVar:

NM_000426.4(LAMA2):c.1771C>T (p.Leu591=)

Gene: LAMA2 (laminin subunit alpha 2; plus strand). Cytogenetic location: 6q22.33.
Variant type: single nucleotide variant.
Coding change: c.1771C>T on transcript NM_000426.4 (MANE Select); coding-DNA position 1771, C replaced by T.
Protein change: p.Leu591=; no amino-acid change (leucine 591 retained).
Molecular consequence: synonymous variant.
Genome position (GRCh38, 1-based): chr6:129,192,842, C>T. VCF-style: chr6-129192842-C-T. GRCh37 (hg19) VCF-style: chr6-129513987-C-T.
Other names: c.1771C>T, p.Leu591= (NM_001079823.2).
Identifiers: ClinVar variation 705777 (VCV000705777.14), dbSNP rs142965498, ClinGen allele CA3992724.

ClinVar aggregate classification (germline): Benign/Likely benign. Review status: criteria provided, multiple submitters, no conflicts (2 of 4 stars). 4 submissions from 4 submitters: Benign (1); Likely benign (2). 1 of the submissions does not count toward it. Last evaluated 2026-01-26.

Conditions:
LAMA2-related disorder. Also called: LAMA2-related condition; LAMA2-related disorders.
LAMA2-related muscular dystrophy (LAMA2-RD). Also called: Laminin alpha 2-related dystrophy. Identifiers: MedGen C5679788, MONDO:0100228.

Allele frequency attached by ClinVar (database versions not stated): ExAC 0.00020; gnomAD exomes 0.00021; 1000 Genomes Project 30x 0.00047; 1000 Genomes Project 0.00060; gnomAD 0.00076 and 0.00082; TOPMed 0.00080; ESP Exome Variant Server 0.00085.
gnomAD v4.1: 248 of 1,613,988 alleles (0.015%); highest among the groups gnomAD compares: African/African-American, 0.28%; 3 homozygotes.

Submissions (4):

Labcorp Genetics (formerly Invitae), Labcorp
Classification: Benign for LAMA2-related muscular dystrophy. Last evaluated: 2026-01-26. Review status: criteria provided, single submitter. Criteria: Invitae Variant Classification Sherloc (09022015). Collection method: clinical testing. Allele origin: germline.

Women's Health and Genetics/Laboratory Corporation of America, LabCorp
Classification: Likely benign. Last evaluated: 2025-10-13. Review status: criteria provided, single submitter. Criteria: LabCorp Variant Classification Summary - May 2015. Collection method: clinical testing. Allele origin: germline.

Blueprint Genetics
Classification: Likely benign. Last evaluated: 2024-02-02. Review status: criteria provided, single submitter. Criteria: ACMG Guidelines, 2015. Collection method: clinical testing. Allele origin: germline.

PreventionGenetics, part of Exact Sciences
Classification: Likely benign for LAMA2-related condition. Last evaluated: 2024-05-15. Review status: no assertion criteria provided. Collection method: clinical testing. Allele origin: germline. Not counted in ClinVar's aggregate classification.
Comment: This variant is classified as likely benign based on ACMG/AMP sequence variant interpretation guidelines (Richards et al. 2015 PMID: 25741868, with internal and published modifications).